The following is an entry in ClinVar:

ClinVar aggregate classification (germline): Uncertain significance (1 of 4 stars; one submission).

Conditions:
Xeroderma pigmentosum, group F (XPF). Also called: ERCC4-Related Xeroderma Pigmentosum; XERODERMA PIGMENTOSUM, COMPLEMENTATION GROUP F; XERODERMA PIGMENTOSUM, TYPE F; Xeroderma pigmentosum, type 6; XERODERMA PIGMENTOSUM VI; XP, GROUP F. Identifiers: MedGen C0268140, MONDO:0010215, OMIM 278760.
Cockayne syndrome. Identifiers: Orphanet 191, MedGen C0009207, MONDO:0016006.
Fanconi anemia complementation group Q. Identifiers: Orphanet 84, MedGen C3808988, MONDO:0014108, OMIM 615272.

Submission:

Labcorp Genetics (formerly Invitae), Labcorp
Classification: Uncertain significance for Fanconi anemia complementation group Q; Xeroderma pigmentosum, group F; Cockayne syndrome. Last evaluated: 2025-10-07. Review status: criteria provided, single submitter. Criteria: Invitae Variant Classification Sherloc (09022015). Collection method: clinical testing. Allele origin: germline.
Comment: This sequence change replaces phenylalanine, which is neutral and non-polar, with valine, which is neutral and non-polar, at codon 440 of the ERCC4 protein (p.Phe440Val). This variant is present in population databases (rs370344307, gnomAD 0.0009%). This variant has not been reported in the literature in individuals affected with ERCC4-related conditions. Invitae Evidence Modeling of protein sequence and biophysical properties (such as structural, functional, and spatial information, amino acid conservation, physicochemical variation, residue mobility, and thermodynamic stability) indicates that this missense variant is not expected to disrupt ERCC4 protein function with a negative predictive value of 80%. In summary, the available evidence is currently insufficient to determine the role of this variant in disease. Therefore, it has been classified as a Variant of Uncertain Significance.

NM_005236.3(ERCC4):c.1318T>G (p.Phe440Val)

Gene: ERCC4 (ERCC excision repair 4, endonuclease catalytic subunit; plus strand). Cytogenetic location: 16p13.12.
Variant type: single nucleotide variant.
Coding change: c.1318T>G on transcript NM_005236.3 (MANE Select); coding-DNA position 1318, T replaced by G.
Protein change: p.Phe440Val; replaces phenylalanine 440 with valine.
Molecular consequence: missense variant.
Genome position (GRCh38, 1-based): chr16:13,935,250, T>G. VCF-style: chr16-13935250-T-G. GRCh37 (hg19) VCF-style: chr16-14029107-T-G.
Other names: short protein forms F440V.
Identifiers: ClinVar variation 4783473 (VCV004783473.1).